The following is an entry in ClinVar:

ClinVar aggregate classification (germline): Uncertain significance (1 of 4 stars; one submission).

Allele frequency attached by ClinVar (database versions not stated): gnomAD 0.00001; TOPMed 0.00001; ExAC 0.00002; gnomAD exomes 0.00005; ESP Exome Variant Server 0.00008.
gnomAD v4.1: 74 of 1,614,080 alleles (0.0046%); highest among the groups gnomAD compares: Non-Finnish European, 0.0063%; no homozygotes.

Submission:

Labcorp Genetics (formerly Invitae), Labcorp
Classification: Uncertain significance. Last evaluated: 2023-05-01. Review status: criteria provided, single submitter. Criteria: Invitae Variant Classification Sherloc (09022015). Collection method: clinical testing. Allele origin: germline.
Comment: This sequence change replaces glutamic acid, which is acidic and polar, with lysine, which is basic and polar, at codon 539 of the PPP1R15B protein (p.Glu539Lys). This variant is present in population databases (rs143937424, gnomAD 0.008%). In summary, the available evidence is currently insufficient to determine the role of this variant in disease. Therefore, it has been classified as a Variant of Uncertain Significance. Advanced modeling of protein sequence and biophysical properties (such as structural, functional, and spatial information, amino acid conservation, physicochemical variation, residue mobility, and thermodynamic stability) performed at Invitae indicates that this missense variant is expected to disrupt PPP1R15B protein function. This variant has not been reported in the literature in individuals affected with PPP1R15B-related conditions.

NM_032833.5(PPP1R15B):c.1615G>A (p.Glu539Lys)

Gene: PPP1R15B (protein phosphatase 1 regulatory subunit 15B; minus strand). Cytogenetic location: 1q32.1.
Variant type: single nucleotide variant.
Coding change: c.1615G>A on transcript NM_032833.5 (MANE Select); coding-DNA position 1615, G replaced by A.
Protein change: p.Glu539Lys; replaces glutamic acid 539 with lysine.
Molecular consequence: missense variant.
Genome position (GRCh38, 1-based): chr1:204,409,797, C>T on the plus strand (G>A on the coding strand, the complement: PPP1R15B is on the minus strand). VCF-style: chr1-204409797-C-T. GRCh37 (hg19) VCF-style: chr1-204378925-C-T.
Other names: short protein forms E539K.
Identifiers: ClinVar variation 2876295 (VCV002876295.3), dbSNP rs143937424, ClinGen allele CA1346600.